The following is an entry in ClinVar:

NM_000431.4(MVK):c.185G>A (p.Trp62Ter)

Gene: MVK (mevalonate kinase; plus strand). Cytogenetic location: 12q24.11.
Variant type: single nucleotide variant.
Coding change: c.185G>A on transcript NM_000431.4 (MANE Select); coding-DNA position 185, G replaced by A.
Protein change: p.Trp62Ter; replaces tryptophan 62 with a stop codon.
Molecular consequence: nonsense.
Genome position (GRCh38, 1-based): chr12:109,576,104, G>A. VCF-style: chr12-109576104-G-A. GRCh37 (hg19) VCF-style: chr12-110013909-G-A.
Other names: c.185G>A, p.Trp62Ter (NM_001114185.3, NM_001301182.2); c.185G>A (NM_000431.2); short protein forms W62*.
Identifiers: ClinVar variation 97576 (VCV000097576.9), dbSNP rs104895306, ClinGen allele CA149801.
Genomic context (GRCh38, chr12:109,576,104, plus strand): 5'-AACCCCACAGCAATGGGAAAGTGGACCTCAGCTTACCCAACATTGGTATCAAGCGGGCCT[G>A]GGATGTGGCCAGGCTTCAGTCACTGGACACAAGCTTTCTGGGTGAGTGCAAGGAGGAGAA-3'

ClinVar aggregate classification (germline): Pathogenic. Review status: criteria provided, multiple submitters, no conflicts (2 of 4 stars). 6 submissions from 6 submitters: Pathogenic (2). 4 of the submissions do not count toward it. Last evaluated 2023-11-09.

Conditions:
Mevalonic aciduria (MEVA). Identifiers: Orphanet 29, MedGen C1959626, MONDO:0012481, OMIM 610377.
Porokeratosis 3, disseminated superficial actinic type (POROK3). Also called: POROKERATOSIS 3, MULTIPLE TYPES; POROKERATOSIS 3, MIBELLI TYPE; POROKERATOSIS, DISSEMINATED SUPERFICIAL ACTINIC, 1. Identifiers: MedGen C1867981, MONDO:0008293, OMIM 175900.
Hyperimmunoglobulin D with periodic fever (HIDS). Also called: HYPERIMMUNOGLOBULINEMIA D AND PERIODIC FEVER SYNDROME; Hyperimmunoglobulinemia D; Hyperimmunoglobulinemia D with periodic fever. Identifiers: Orphanet 343, MedGen C0398691, MONDO:0009849, OMIM 260920.

Allele frequency attached by ClinVar (database versions not stated): gnomAD 0.00001.

Submissions (6):

GeneDx
Classification: Pathogenic. Last evaluated: 2023-11-09. Review status: criteria provided, single submitter. Criteria: GeneDx Variant Classification Process June 2021. Collection method: clinical testing. Allele origin: germline. Affected: yes.
Comment: Nonsense variant predicted to result in protein truncation or nonsense mediated decay in a gene for which loss of function is a known mechanism of disease; Not observed at significant frequency in large population cohorts (gnomAD); This variant is associated with the following publications: (PMID: 25525159, 11313768)

Labcorp Genetics (formerly Invitae), Labcorp
Classification: Pathogenic for Mevalonic aciduria; Hyperimmunoglobulin D with periodic fever; Porokeratosis 3, disseminated superficial actinic type. Last evaluated: 2023-11-07. Review status: criteria provided, single submitter. Criteria: Invitae Variant Classification Sherloc (09022015). Collection method: clinical testing. Allele origin: germline.
Comment: This sequence change creates a premature translational stop signal (p.Trp62*) in the MVK gene. It is expected to result in an absent or disrupted protein product. Loss-of-function variants in MVK are known to be pathogenic (PMID: 16835861, 17105862, 23834120). This variant is not present in population databases (gnomAD no frequency). This premature translational stop signal has been observed in individual(s) with autosomal recessive hyper IgD syndrome (HIDS) (PMID: 11313768). ClinVar contains an entry for this variant (Variation ID: 97576). For these reasons, this variant has been classified as Pathogenic.

Clinical Genetics DNA and cytogenetics Diagnostics Lab, Erasmus MC, Erasmus Medical Center
Classification: Pathogenic. Review status: no assertion criteria provided. Collection method: clinical testing. Allele origin: germline. Affected: yes. Study: VKGL Data-share Consensus. Not counted in ClinVar's aggregate classification.

Genome Diagnostics Laboratory, University Medical Center Utrecht
Classification: Pathogenic. Review status: no assertion criteria provided. Collection method: clinical testing. Allele origin: germline. Affected: yes. Study: VKGL Data-share Consensus. Not counted in ClinVar's aggregate classification.

Joint Genome Diagnostic Labs from Nijmegen and Maastricht, Radboudumc and MUMC+
Classification: Pathogenic. Review status: no assertion criteria provided. Collection method: clinical testing. Allele origin: germline. Affected: yes. Study: VKGL Data-share Consensus. Not counted in ClinVar's aggregate classification.

Unité médicale des maladies autoinflammatoires, CHRU Montpellier
No classification provided. Condition: Hyperimmunoglobulin D with periodic fever. Review status: no classification provided. Collection method: not provided. Allele origin: unknown. Not counted in ClinVar's aggregate classification.
Comment: also involved in OMIM 25117

Literature cited by the submitters: PubMed 16835861 (cited by Labcorp Genetics (formerly Invitae), Labcorp); PubMed 17105862 (cited by Labcorp Genetics (formerly Invitae), Labcorp); PubMed 23834120 (cited by Labcorp Genetics (formerly Invitae), Labcorp); PubMed 11313768 (cited by Labcorp Genetics (formerly Invitae), Labcorp).